The following is an entry in ClinVar:

NM_130837.3(OPA1):c.2318C>T (p.Ala773Val)

Gene: OPA1 (OPA1 mitochondrial dynamin like GTPase; plus strand). Cytogenetic location: 3q29.
Variant type: single nucleotide variant.
Coding change: c.2318C>T on transcript NM_130837.3 (MANE Select); coding-DNA position 2318, C replaced by T.
Protein change: p.Ala773Val; replaces alanine 773 with valine.
Molecular consequence: missense variant.
Genome position (GRCh38, 1-based): chr3:193,657,219, C>T. VCF-style: chr3-193657219-C-T. GRCh37 (hg19) VCF-style: chr3-193375008-C-T.
Other names: c.1784C>T, p.Ala595Val (NM_001354663.2); c.1781C>T, p.Ala594Val (NM_001354664.2); c.2153C>T, p.Ala718Val (NM_015560.3); c.2045C>T, p.Ala682Val (NM_130831.3); c.2099C>T, p.Ala700Val (NM_130832.3); c.2156C>T, p.Ala719Val (NM_130833.3); c.2207C>T, p.Ala736Val (NM_130834.3); c.2210C>T, p.Ala737Val (NM_130835.3); and 1 more; short protein forms A595V, A736V, A773V, A682V, A718V, A719V, A594V, A700V.
Identifiers: ClinVar variation 4779221 (VCV004779221.2).
Genomic context (GRCh38, chr3:193,657,219, plus strand): 5'-ATAAACTTAAAGAGGCTGTTAAGGAAGAAAGTATTAAACGACACAAGTGGAATGACTTTG[C>T]GGAGGACAGCTTGGTATGTTGTTTGTATACTGGGGTATCAGCCTCATATTTTTATATAAC-3'
Protein context (NP_570850.2, residues 763-783): SIKRHKWNDF[Ala773Val]EDSLRVIQHN

ClinVar aggregate classification (germline): Uncertain significance. Review status: criteria provided, multiple submitters, no conflicts (2 of 4 stars). 2 submissions from 2 submitters: Uncertain significance (2). Last evaluated 2025-11-04.

Submissions (2):

Labcorp Genetics (formerly Invitae), Labcorp
Classification: Uncertain significance. Last evaluated: 2025-11-04. Review status: criteria provided, single submitter. Criteria: Invitae Variant Classification Sherloc (09022015). Collection method: clinical testing. Allele origin: germline.
Comment: This sequence change replaces alanine, which is neutral and non-polar, with valine, which is neutral and non-polar, at codon 718 of the OPA1 protein (p.Ala718Val). This variant is not present in population databases (gnomAD no frequency). This variant has not been reported in the literature in individuals affected with OPA1-related conditions. Invitae Evidence Modeling of protein sequence and biophysical properties (such as structural, functional, and spatial information, amino acid conservation, physicochemical variation, residue mobility, and thermodynamic stability) indicates that this missense variant is not expected to disrupt OPA1 protein function with a negative predictive value of 80%. In summary, the available evidence is currently insufficient to determine the role of this variant in disease. Therefore, it has been classified as a Variant of Uncertain Significance.

Blueprint Genetics
Classification: Uncertain significance. Last evaluated: 2024-09-02. Review status: criteria provided, single submitter. Criteria: ACMG Guidelines, 2015. Collection method: clinical testing. Allele origin: germline.